The following is an entry in ClinVar:

NM_000829.4(GRIA4):c.1637A>T (p.Glu546Val)

Gene: GRIA4 (glutamate ionotropic receptor AMPA type subunit 4; plus strand). Cytogenetic location: 11q22.3.
Variant type: single nucleotide variant.
Coding change: c.1637A>T on transcript NM_000829.4 (MANE Select); coding-DNA position 1637, A replaced by T.
Protein change: p.Glu546Val; replaces glutamic acid 546 with valine.
Molecular consequence: missense variant. On other transcripts: non-coding transcript variant (1).
Genome position (GRCh38, 1-based): chr11:105,924,559, A>T. VCF-style: chr11-105924559-A-T. GRCh37 (hg19) VCF-style: chr11-105795285-A-T.
Other names: c.1637A>T, p.Glu546Val (NM_001077243.3); short protein forms E546V.
Identifiers: ClinVar variation 3361245 (VCV003361245.2).

ClinVar aggregate classification (germline): Uncertain significance (1 of 4 stars; one submission).

Submission:

GeneDx
Classification: Uncertain significance. Last evaluated: 2026-01-23. Review status: criteria provided, single submitter. Criteria: GeneDx Variant Classification Process June 2021. Collection method: clinical testing. Allele origin: germline.
Comment: Not observed at significant frequency in large population cohorts (gnomAD); In silico analysis supports that this missense variant has a deleterious effect on protein structure/function; Has not been previously published as pathogenic or benign to our knowledge